The following is an entry in ClinVar:

ClinVar aggregate classification (germline): Uncertain significance (1 of 4 stars; one submission).

Submission:

Labcorp Genetics (formerly Invitae), Labcorp
Classification: Uncertain significance. Last evaluated: 2023-11-19. Review status: criteria provided, single submitter. Criteria: Invitae Variant Classification Sherloc (09022015). Collection method: clinical testing. Allele origin: germline.
Comment: This sequence change creates a premature translational stop signal (p.Phe318Glyfs*53) in the SIAE gene. It is expected to result in an absent or disrupted protein product. However, the current clinical and genetic evidence is not sufficient to establish whether loss-of-function variants in SIAE cause disease. This variant is not present in population databases (gnomAD no frequency). This variant has not been reported in the literature in individuals affected with SIAE-related conditions. In summary, the available evidence is currently insufficient to determine the role of this variant in disease. Therefore, it has been classified as a Variant of Uncertain Significance.

NM_170601.5(SIAE):c.928_950dup (p.Phe318fs)

Gene: SIAE (sialic acid acetylesterase; minus strand). Cytogenetic location: 11q24.2.
Variant type: Duplication.
Coding change: c.928_950dup on transcript NM_170601.5 (MANE Select); coding-DNA positions 928 to 950, 23 bases duplicated (GGGCAGACGGAGCGTTTCTTCCC).
Protein change: p.Phe318fs; shifts the reading frame from phenylalanine 318.
Molecular consequence: frameshift variant.
Genome position (GRCh38, 1-based): chr11:124,647,381-124,647,403, GGGAAGAAACGCTCCGTCTGCCC duplicated on the plus strand (GGGCAGACGGAGCGTTTCTTCCC on the coding strand, the reverse complement: SIAE is on the minus strand). VCF-style (leftmost placement, unchanged base first): chr11-124647380-T-TGGGAAGAAACGCTCCGTCTGCCC. GRCh37 (hg19) VCF-style: chr11-124517276-T-TGGGAAGAAACGCTCCGTCTGCCC.
Other names: c.823_845dup, p.Phe283fs (NM_001199922.2); short protein forms F318fs, F283fs.
Identifiers: ClinVar variation 2697391 (VCV002697391.3), dbSNP rs2496899819, ClinGen allele CA2697559045.
Genomic context (GRCh38, chr11:124,647,380, plus strand): 5'-GAACAGGTGTTGACATGAACAGAGAAGCCTTTACCCACATCGTACCTGGACAAGTCCAAA[T>TGGGAAGAAACGCTCCGTCTGCCC]GGGAAGAAACGCTCCGTCTGCCCCTGGGAACCACGGTGGAAGGTTTCACGCCAGTCTTCG-3'